The following is an entry in ClinVar:

NM_006767.4(LZTR1):c.1077del (p.Lys360fs)

Gene: LZTR1 (leucine zipper like post translational regulator 1; plus strand). Cytogenetic location: 22q11.21.
Variant type: Deletion.
Coding change: c.1077del on transcript NM_006767.4 (MANE Select); coding-DNA position 1077, one base deleted (G; older notation c.1077delG).
Protein change: p.Lys360fs; shifts the reading frame from lysine 360.
Molecular consequence: frameshift variant.
Genome position (GRCh38, 1-based): chr22:20,992,297, G deleted. VCF-style (leftmost placement, unchanged base first): chr22-20992296-AG-A. GRCh37 (hg19) VCF-style: chr22-21346585-AG-A.
Other names: short protein forms K360fs.
Identifiers: ClinVar variation 5023789 (VCV005023789.1).

ClinVar aggregate classification (germline): Pathogenic (1 of 4 stars; one submission).

Conditions:
Cardiovascular phenotype. Identifiers: MedGen CN230736.
Hereditary cancer-predisposing syndrome. Also called: Neoplastic Syndromes, Hereditary; Tumor predisposition; Hereditary neoplastic syndrome; Hereditary Cancer Syndrome. Identifiers: Orphanet 140162, MedGen C0027672, MeSH D009386, MONDO:0015356.

Submission:

Ambry Genetics
Classification: Pathogenic for Cardiovascular phenotype; Hereditary cancer-predisposing syndrome. Last evaluated: 2026-08-27. Review status: criteria provided, single submitter. Criteria: Ambry Variant Classification Scheme 2023. Collection method: clinical testing. Allele origin: germline.
Comment: The c.1077delG pathogenic mutation, located in coding exon 10 of the LZTR1 gene, results from a deletion of one nucleotide at nucleotide position 1077, causing a translational frameshift with a predicted alternate stop codon (p.K360Sfs*101). This alteration is expected to result in loss of function by premature protein truncation or nonsense-mediated mRNA decay. Loss-of-function variants in LZTR1 are related to an increased risk for schwannomas and autosomal recessive Noonan syndrome; however, such associations with autosomal dominant Noonan syndrome have not been observed (Piotrowski A et al. Nat Genet. 2014 Feb;46:182-7; Yamamoto GL et al. J Med Genet. 2015 Jun;52:413-21; Johnston JJ et al. Genet Med. 2018 10;20:1175-1185). Based on the supporting evidence, this variant is pathogenic for an increased risk of LZTR1-related schwannomatosis (SWN) and would be expected to cause autosomal recessive Noonan syndrome when present along with a second pathogenic or likely pathogenic variant on the other allele; however, the association of this variant with autosomal dominant Noonan syndrome is unlikely.